The following is an entry in ClinVar:

ClinVar aggregate classification (germline): Uncertain significance (1 of 4 stars; one submission).

Conditions:
Myasthenic syndrome, congenital, 22 (CMS22). Also called: PREPL DEFICIENCY. Identifiers: MedGen C4479088, MONDO:0044299, OMIM 616224.

Submission:

3billion
Classification: Uncertain significance for Myasthenic syndrome, congenital, 22. Last evaluated: 2024-06-14. Review status: criteria provided, single submitter. Criteria: ACMG Guidelines, 2015. Collection method: clinical testing. Allele origin: germline. Affected: yes.
Comment: The variant is not observed in the gnomAD v4.0.0 dataset. Predicted Consequence/Location: Canonical splice site: predicted to alter splicing and result in a loss or disruption of normal protein function. The predicted truncated protein may be shortened by less than 10%. Therefore, this variant is classified as VUS according to the recommendation of ACMG/AMP guideline.

NM_001171613.2(PREPL):c.1827+1_1827+3del

Genes: PREPL (prolyl endopeptidase like; minus strand), SLC3A1 (solute carrier family 3 member 1; plus strand). Cytogenetic location: 2p21.
Variant type: Deletion.
Coding change: c.1827+1_1827+3del on transcript NM_001171613.2 (MANE Select); the canonical splice donor site of the intron after coding-DNA position 1827 through 3 bases into the intron after coding-DNA position 1827, 3 bases deleted (GTA; older notation c.1827+1_1827+3delGTA).
Molecular consequence: splice donor variant.
Genome position (GRCh38, 1-based): chr2:44,321,824-44,321,826, TAC deleted on the plus strand (GTA on the coding strand, the reverse complement: PREPL is on the minus strand). VCF-style (leftmost placement, unchanged base first): chr2-44321823-ATAC-A. GRCh37 (hg19) VCF-style: chr2-44548962-ATAC-A.
Other names: c.1827+1_1827+3del (NM_001171617.1, NM_001374277.1); c.2094+1_2094+3del (NM_001171603.1, NM_001374275.1, NM_001374276.1 and 2 more transcripts); c.1908+1_1908+3del (NM_001042385.2); c.1896+1_1896+3del (NM_001042386.2).
Identifiers: ClinVar variation 4293133 (VCV004293133.1).
Genomic context (GRCh38, chr2:44,321,823, plus strand): 5'-AAATGTGAAAACAACATGTATCTAGTTCGGGAATCTGTCCACTGAGAGGGCCTTGATAAC[ATAC>A]CTTTTTGTGAGAATCCTCAATTACATGATTGCCTCCAGGCTGAATATCTAGAATAATATT-3'